The following is an entry in ClinVar:

NM_006505.5(PVR):c.933C>T (p.Ile311=)

Gene: PVR (PVR cell adhesion molecule; plus strand). Cytogenetic location: 19q13.31.
Variant type: single nucleotide variant.
Coding change: c.933C>T on transcript NM_006505.5 (MANE Select); coding-DNA position 933, C replaced by T.
Protein change: p.Ile311=; no amino-acid change (isoleucine 311 retained).
Molecular consequence: synonymous variant.
Genome position (GRCh38, 1-based): chr19:44,657,852, C>T. VCF-style: chr19-44657852-C-T. GRCh37 (hg19) VCF-style: chr19-45161120-C-T.
Other names: c.933C>T, p.Ile311= (NM_001135768.3, NM_001135769.3, NM_001135770.4).
Identifiers: ClinVar variation 3047000 (VCV003047000.2), dbSNP rs555430042, ClinGen allele CA9502394.

ClinVar aggregate classification (germline): Likely benign (0 of 4 stars; one submission).

Conditions:
PVR-related disorder. Also called: PVR-related condition.

Allele frequency attached by ClinVar (database versions not stated): gnomAD 0.00001; TOPMed 0.00001; gnomAD exomes 0.00002; ExAC 0.00003; 1000 Genomes Project 30x 0.00016; 1000 Genomes Project 0.00020.
gnomAD v4.1: 29 of 1,614,010 alleles (0.0018%); highest among the groups gnomAD compares: South Asian, 0.027%; no homozygotes.

Submission:

PreventionGenetics, part of Exact Sciences
Classification: Likely benign for PVR-related condition. Last evaluated: 2019-02-22. Review status: no assertion criteria provided. Collection method: clinical testing. Allele origin: germline.
Comment: This variant is classified as likely benign based on ACMG/AMP sequence variant interpretation guidelines (Richards et al. 2015 PMID: 25741868, with internal and published modifications).